The following is an entry in ClinVar:

NM_001354930.2(RIPK1):c.1184C>T (p.Thr395Met)

Gene: RIPK1 (receptor interacting serine/threonine kinase 1; plus strand). Cytogenetic location: 6p25.2.
Variant type: single nucleotide variant.
Coding change: c.1184C>T on transcript NM_001354930.2 (MANE Select); coding-DNA position 1184, C replaced by T.
Protein change: p.Thr395Met; replaces threonine 395 with methionine.
Molecular consequence: missense variant.
Genome position (GRCh38, 1-based): chr6:3,105,659, C>T. VCF-style: chr6-3105659-C-T. GRCh37 (hg19) VCF-style: chr6-3105893-C-T.
Other names: c.695C>T, p.Thr232Met (NM_001317061.3, NM_001354932.2, NM_001354933.2 and 1 more transcripts); c.1046C>T, p.Thr349Met (NM_001354931.2); c.1184C>T, p.Thr395Met (NM_003804.6); c.1184C>T (NM_003804.3); short protein forms T232M, T395M, T349M.
Identifiers: ClinVar variation 1362614 (VCV001362614.31), dbSNP rs368085162, ClinGen allele CA3618392.

ClinVar aggregate classification (germline): Conflicting classifications of pathogenicity. Review status: criteria provided, conflicting classifications (1 of 4 stars). 4 submissions from 4 submitters: Uncertain significance (2); Likely benign (2). Last evaluated 2026-01-06.

Conditions:
Inborn genetic diseases. Identifiers: MedGen C0950123, MeSH D030342.

Allele frequency attached by ClinVar (database versions not stated): ExAC 0.00007; gnomAD 0.00007; gnomAD exomes 0.00007; ESP Exome Variant Server 0.00008.
gnomAD v4.1: 55 of 1,613,678 alleles (0.0034%); highest among the groups gnomAD compares: African/African-American, 0.012%; no homozygotes.

Submissions (4):

Labcorp Genetics (formerly Invitae), Labcorp
Classification: Uncertain significance. Last evaluated: 2026-01-06. Review status: criteria provided, single submitter. Criteria: Invitae Variant Classification Sherloc (09022015). Collection method: clinical testing. Allele origin: germline.
Comment: This sequence change replaces threonine, which is neutral and polar, with methionine, which is neutral and non-polar, at codon 395 of the RIPK1 protein (p.Thr395Met). This variant is present in population databases (rs368085162, gnomAD 0.01%). This variant has not been reported in the literature in individuals affected with RIPK1-related conditions. ClinVar contains an entry for this variant (Variation ID: 1362614). An algorithm developed to predict the effect of missense changes on protein structure and function outputs the following: PolyPhen-2: "Benign". The methionine amino acid residue is found in multiple mammalian species, which suggests that this missense change does not adversely affect protein function. In summary, the available evidence is currently insufficient to determine the role of this variant in disease. Therefore, it has been classified as a Variant of Uncertain Significance.

Ambry Genetics
Classification: Likely benign for Inborn genetic diseases. Last evaluated: 2023-12-20. Review status: criteria provided, single submitter. Criteria: Ambry Variant Classification Scheme 2023. Collection method: clinical testing. Allele origin: germline.

Blueprint Genetics
Classification: Likely benign. Last evaluated: 2023-07-13. Review status: criteria provided, single submitter. Criteria: ACMG Guidelines, 2015. Collection method: clinical testing. Allele origin: germline.

CeGaT Center for Human Genetics Tuebingen
Classification: Uncertain significance. Last evaluated: 2022-07-01. Review status: criteria provided, single submitter. Criteria: CeGaT Center For Human Genetics Tuebingen Variant Classification Criteria Version 2. Collection method: clinical testing. Allele origin: germline. Affected: yes. Observed: 1 variant allele.
Comment: RIPK1: PM2, BP4